The following is an entry in ClinVar:

NM_000642.3(AGL):c.226G>A (p.Asp76Asn)

Gene: AGL (amylo-alpha-1,6-glucosidase and 4-alpha-glucanotransferase; plus strand). Cytogenetic location: 1p21.2.
Variant type: single nucleotide variant.
Coding change: c.226G>A on transcript NM_000642.3 (MANE Select); coding-DNA position 226, G replaced by A.
Protein change: p.Asp76Asn; replaces aspartic acid 76 with asparagine.
Molecular consequence: missense variant.
Genome position (GRCh38, 1-based): chr1:99,861,646, G>A. VCF-style: chr1-99861646-G-A. GRCh37 (hg19) VCF-style: chr1-100327202-G-A.
Other names: c.178G>A, p.Asp60Asn (NM_000646.3); c.226G>A, p.Asp76Asn (NM_001425325.1, NM_001425326.1, NM_001425327.1 and 5 more transcripts); short protein forms D60N, D76N.
Identifiers: ClinVar variation 1986557 (VCV001986557.1), dbSNP rs776291432, ClinGen allele CA27560597.
Genomic context (GRCh38, chr1:99,861,646, plus strand): 5'-ACATTTAATAGAGAAAAATTCCGTTCTCTGGATTGGGAAAATCCAACAGAAAGAGAAGAT[G>A]ATTCTGATAAATACTGTAAACTTAATCTGCAACAATCTGGTTCATTTCAGTATTATTTCC-3'
Protein context (NP_000633.2, residues 66-86): DWENPTERED[Asp76Asn]SDKYCKLNLQ

ClinVar aggregate classification (germline): Uncertain significance (1 of 4 stars; one submission).

Conditions:
Glycogen storage disease type III (GSD3). Also called: Cori disease; FORBES DISEASE. Identifiers: Orphanet 366, MedGen C0017922, MONDO:0009291, OMIM 232400.

Allele frequency attached by ClinVar (database versions not stated): gnomAD exomes below 0.00001; TOPMed 0.00001.

Submission:

Labcorp Genetics (formerly Invitae), Labcorp
Classification: Uncertain significance for Glycogen storage disease type III. Last evaluated: 2022-07-08. Review status: criteria provided, single submitter. Criteria: Invitae Variant Classification Sherloc (09022015). Collection method: clinical testing. Allele origin: germline.
Comment: This sequence change replaces aspartic acid, which is acidic and polar, with asparagine, which is neutral and polar, at codon 76 of the AGL protein (p.Asp76Asn). This variant is not present in population databases (gnomAD no frequency). This variant has not been reported in the literature in individuals affected with AGL-related conditions. Algorithms developed to predict the effect of missense changes on protein structure and function (SIFT, PolyPhen-2, Align-GVGD) all suggest that this variant is likely to be tolerated. In summary, the available evidence is currently insufficient to determine the role of this variant in disease. Therefore, it has been classified as a Variant of Uncertain Significance.